The following is an entry in ClinVar:

ClinVar aggregate classification (germline): Pathogenic/Likely pathogenic. Review status: criteria provided, multiple submitters, no conflicts (2 of 4 stars). 8 submissions from 8 submitters: Pathogenic (5); Likely pathogenic (2). 1 of the submissions does not count toward it. Last evaluated 2025-12-29.

Conditions:
PIEZO1-related disorder. Also called: PIEZO1-related condition; PIEZO1-Related Disorders.
Dehydrated hereditary stomatocytosis with or without pseudohyperkalemia and/or perinatal edema (DHS1). Also called: Dehydrated hereditary stomatocytosis 1 with or without pseudohyperkalemia and/or perinatal edema; PSEUDOHYPERKALEMIA EDINBURGH; DEHYDRATED HEREDITARY STOMATOCYTOSIS AND PSEUDOHYPERKALEMIA; DEHYDRATED HEREDITARY STOMATOCYTOSIS WITH PSEUDOHYPERKALEMIA AND PERINATAL EDEMA; Pseudohyperkalemia, familial, 1, due to red cell leak. Identifiers: Orphanet 3202, MedGen C4551512, MONDO:0008689, OMIM 194380.

Allele frequency attached by ClinVar (database versions not stated): gnomAD exomes below 0.00001; TOPMed 0.00002.
gnomAD v4.1: 3 of 1,550,510 alleles (0.00019%); highest among the groups gnomAD compares: South Asian, 0.0012%; no homozygotes.

Submissions (8):

Center for Genomic Medicine, Rigshospitalet, Copenhagen University Hospital
Classification: Pathogenic. Last evaluated: 2025-12-29. Review status: criteria provided, single submitter. Criteria: ACMG Guidelines, 2015. Collection method: clinical testing. Allele origin: germline.

GeneDx
Classification: Pathogenic. Last evaluated: 2025-09-08. Review status: criteria provided, single submitter. Criteria: GeneDx Variant Classification Process June 2021. Collection method: clinical testing. Allele origin: germline.
Comment: Published functional studies demonstrate an increase in the inactivation time compared to wild type channel kinetics, indicating that variant results in a gain-of-function (PMID: 23695678); Not observed at significant frequency in large population cohorts (gnomAD); In silico analysis supports that this missense variant has a deleterious effect on protein structure/function; This variant is associated with the following publications: (PMID: 29952828, 29449963, 28971506, 33181827, 9827909, 23695678, 17253968)

ARUP Laboratories, Molecular Genetics and Genomics, ARUP Laboratories
Classification: Likely pathogenic. Last evaluated: 2024-06-24. Review status: criteria provided, single submitter. Criteria: ARUP Molecular Germline Variant Investigation Process 2024. Collection method: clinical testing. Allele origin: germline.
Comment: The PIEZO1 c.6058G>A; p.Ala2020Thr variant (rs587776989, ClinVar Variation ID 55807) is reported in the literature in individuals affected with dehydrated hereditary spherocytosis (Albuisson 2013, Halma 2019). This variant is absent from the Genome Aggregation Database (v2.1.1), indicating it is not a common polymorphism. In vitro functional analyses demonstrate prolonged PIEZO1 channel activity consistent with gain-of-function (Albuisson 2013). Computational analyses are uncertain whether this variant is neutral or deleterious (REVEL: 0.592). Based on available information, this variant is considered to be likely pathogenic. References: Albuisson J et al. Dehydrated hereditary stomatocytosis linked to gain-of-function mutations in mechanically activated PIEZO1 ion channels. Nat Commun. 2013 PMID: 23695678. Halma J et al. Dehydrated Hereditary Stomatocytosis Presenting as Severe Perinatal Ascites and Cholestasis. J Pediatr Gastroenterol Nutr. 2019 Mar. PMID: 29952828.

Labcorp Genetics (formerly Invitae), Labcorp
Classification: Pathogenic. Last evaluated: 2024-06-05. Review status: criteria provided, single submitter. Criteria: Invitae Variant Classification Sherloc (09022015). Collection method: clinical testing. Allele origin: germline.
Comment: This sequence change replaces alanine, which is neutral and non-polar, with threonine, which is neutral and polar, at codon 2020 of the PIEZO1 protein (p.Ala2020Thr). This variant is not present in population databases (gnomAD no frequency). This missense change has been observed in individuals with dehydrated hereditary stomatocytosis (PMID: 23695678, 29952828). It has also been observed to segregate with disease in related individuals. ClinVar contains an entry for this variant (Variation ID: 55807). Advanced modeling of protein sequence and biophysical properties (such as structural, functional, and spatial information, amino acid conservation, physicochemical variation, residue mobility, and thermodynamic stability) performed at Invitae indicates that this missense variant is expected to disrupt PIEZO1 protein function with a positive predictive value of 80%. For these reasons, this variant has been classified as Pathogenic.

Blueprint Genetics
Classification: Pathogenic for PIEZO1-related disorders. Last evaluated: 2024-01-23. Review status: criteria provided, single submitter. Criteria: ACMG Guidelines, 2015. Collection method: clinical testing. Allele origin: germline. Affected: yes. Observed: 2 variant alleles.

Mayo Clinic Laboratories, Mayo Clinic
Classification: Likely pathogenic. Last evaluated: 2021-03-10. Review status: criteria provided, single submitter. Criteria: ACMG Guidelines, 2015. Collection method: clinical testing. Allele origin: germline. Observed: 1 variant allele.
Comment: PM2, PS3, PP1_moderate

Center for Pediatric Genomic Medicine, Children's Mercy Hospital and Clinics
Classification: Pathogenic. Last evaluated: 2016-02-19. Review status: criteria provided, single submitter. Criteria: ACMG Guidelines, 2015. Collection method: clinical testing. Allele origin: germline.

OMIM
Classification: Pathogenic for DEHYDRATED HEREDITARY STOMATOCYTOSIS AND PSEUDOHYPERKALEMIA. Last evaluated: 2013-01-01. Review status: no assertion criteria provided. Collection method: literature only. Allele origin: germline. Not counted in ClinVar's aggregate classification.

Literature cited by the submitters: PubMed 23695678 (cited by 4 submitters); PubMed 29952828 (cited by 3 submitters); PubMed 17253968 (cited by Mayo Clinic Laboratories, Mayo Clinic and OMIM); PubMed 28971506 (cited by Mayo Clinic Laboratories, Mayo Clinic); PubMed 29449963 (cited by Mayo Clinic Laboratories, Mayo Clinic); PubMed 9827909 (cited by Mayo Clinic Laboratories, Mayo Clinic and OMIM).

NM_001142864.4(PIEZO1):c.6058G>A (p.Ala2020Thr)

Gene: PIEZO1 (piezo type mechanosensitive ion channel component 1 (Er blood group); minus strand). Cytogenetic location: 16q24.3.
Variant type: single nucleotide variant.
Coding change: c.6058G>A on transcript NM_001142864.4 (MANE Select); coding-DNA position 6058, G replaced by A.
Protein change: p.Ala2020Thr; replaces alanine 2020 with threonine.
Molecular consequence: missense variant.
Genome position (GRCh38, 1-based): chr16:88,720,175, C>T on the plus strand (G>A on the coding strand, the complement: PIEZO1 is on the minus strand). VCF-style: chr16-88720175-C-T. GRCh37 (hg19) VCF-style: chr16-88786583-C-T.
Other names: c.6058G>A, p.Ala2020Thr (LRG_1137t1); short protein forms A2020T.
Identifiers: ClinVar variation 55807 (VCV000055807.15), dbSNP rs587776989, ClinGen allele CA211288.